The following is an entry in ClinVar:

NM_001023570.4(IQCB1):c.1134_1135dup (p.Val379fs)

Gene: IQCB1 (IQ motif containing B1; minus strand). Cytogenetic location: 3q13.33.
Variant type: Duplication.
Coding change: c.1134_1135dup on transcript NM_001023570.4 (MANE Select); coding-DNA positions 1134 to 1135, 2 bases duplicated (GG; older notation c.1134_1135dupGG).
Protein change: p.Val379fs; shifts the reading frame from valine 379.
Molecular consequence: frameshift variant. On other transcripts: non-coding transcript variant (1).
Genome position (GRCh38, 1-based): chr3:121,788,427-121,788,428, CC duplicated on the plus strand (GG on the coding strand, the reverse complement: IQCB1 is on the minus strand). VCF-style (leftmost placement, unchanged base first): chr3-121788426-A-ACC. GRCh37 (hg19) VCF-style: chr3-121507273-A-ACC.
Other names: p.Val379GlyfsTer15; c.735_736dup, p.Val246fs (NM_001023571.4); c.1134_1135dup, p.Val379fs (NM_001319107.2); short protein forms V246fs, V379fs.
Identifiers: ClinVar variation 4849650 (VCV004849650.1).

ClinVar aggregate classification (germline): Likely pathogenic (1 of 4 stars; one submission).

Conditions:
Leber congenital amaurosis (LCA). Also called: Leber's amaurosis. Identifiers: Orphanet 65, MedGen C0339527, MeSH D057130, MONDO:0018998.

Submission:

Medical Molecular Genetics Department, National Research Center
Classification: Likely pathogenic for Leber congenital amaurosis. Last evaluated: 2026-03-01. Review status: criteria provided, single submitter. Criteria: ACMG Guidelines, 2015. Collection method: research. Allele origin: germline. Affected: yes. Observed: 2 variant alleles.
Comment: IQCB1 c.1134_1135dup (p.Val379GlyfsTer15): Frameshift (null variant). Absent from gnomAD. Homozygous in two LCA siblings. Loss-of-function consistent with autosomal recessive mechanism. Classified Likely pathogenic (PVS1,PM2)